The following is an entry in ClinVar:

NM_207361.6(FREM2):c.7366G>A (p.Asp2456Asn)

Gene: FREM2 (FRAS1 related extracellular matrix 2; plus strand). Cytogenetic location: 13q13.3.
Variant type: single nucleotide variant.
Coding change: c.7366G>A on transcript NM_207361.6 (MANE Select); coding-DNA position 7366, G replaced by A.
Protein change: p.Asp2456Asn; replaces aspartic acid 2456 with asparagine.
Molecular consequence: missense variant.
Genome position (GRCh38, 1-based): chr13:38,859,437, G>A. VCF-style: chr13-38859437-G-A. GRCh37 (hg19) VCF-style: chr13-39433574-G-A.
Other names: short protein forms D2456N.
Identifiers: ClinVar variation 1347477 (VCV001347477.9), dbSNP rs138539682, ClinGen allele CA6955839.

ClinVar aggregate classification (germline): Conflicting classifications of pathogenicity. Review status: criteria provided, conflicting classifications (1 of 4 stars). 3 submissions from 3 submitters: Uncertain significance (2); Likely benign (1). Last evaluated 2026-01-27.

Conditions:
Isolated cryptophthalmia. Also called: Cryptophthalmos, unilateral or bilateral, isolated; ANKYLOBLEPHARON, SIMPLE. Identifiers: Orphanet 91396, MedGen C1852453, MONDO:0007410, OMIM 123570.
Fraser syndrome 2 (FRASRS2). Identifiers: MedGen C4540036, MONDO:0054738, OMIM 617666.

Allele frequency attached by ClinVar (database versions not stated): gnomAD 0.00016 and 0.00017; TOPMed 0.00023; ExAC 0.00024; gnomAD exomes 0.00027 and 0.00056; 1000 Genomes Project 30x 0.00031; ESP Exome Variant Server 0.00038; 1000 Genomes Project 0.00040.
gnomAD v4.1: 822 of 1,614,062 alleles (0.051%); highest among the groups gnomAD compares: Non-Finnish European, 0.066%; 1 homozygote.

Submissions (3):

Labcorp Genetics (formerly Invitae), Labcorp
Classification: Uncertain significance. Last evaluated: 2026-01-27. Review status: criteria provided, single submitter. Criteria: Invitae Variant Classification Sherloc (09022015). Collection method: clinical testing. Allele origin: germline.
Comment: This sequence change replaces aspartic acid, which is acidic and polar, with asparagine, which is neutral and polar, at codon 2456 of the FREM2 protein (p.Asp2456Asn). This variant is present in population databases (rs138539682, gnomAD 0.05%). This variant has not been reported in the literature in individuals affected with FREM2-related conditions. ClinVar contains an entry for this variant (Variation ID: 1347477). Invitae Evidence Modeling of protein sequence and biophysical properties (such as structural, functional, and spatial information, amino acid conservation, physicochemical variation, residue mobility, and thermodynamic stability) indicates that this missense variant is not expected to disrupt FREM2 protein function with a negative predictive value of 80%. In summary, the available evidence is currently insufficient to determine the role of this variant in disease. Therefore, it has been classified as a Variant of Uncertain Significance.

Blueprint Genetics
Classification: Uncertain significance. Last evaluated: 2024-11-14. Review status: criteria provided, single submitter. Criteria: ACMG Guidelines, 2015. Collection method: clinical testing. Allele origin: germline.

Fulgent Genetics
Classification: Likely benign for Isolated cryptophthalmia; Fraser syndrome 2. Last evaluated: 2024-04-09. Review status: criteria provided, single submitter. Criteria: ACMG Guidelines, 2015. Collection method: clinical testing. Allele origin: germline.